The following is an entry in ClinVar:

NM_001270.4(CHD1):c.682G>C (p.Asp228His)

Gene: CHD1 (chromodomain helicase DNA binding protein 1; minus strand). Cytogenetic location: 5q21.1.
Variant type: single nucleotide variant.
Coding change: c.682G>C on transcript NM_001270.4 (MANE Select); coding-DNA position 682, G replaced by C.
Protein change: p.Asp228His; replaces aspartic acid 228 with histidine.
Molecular consequence: missense variant. On other transcripts: non-coding transcript variant (2).
Genome position (GRCh38, 1-based): chr5:98,900,988, C>G on the plus strand (G>C on the coding strand, the complement: CHD1 is on the minus strand). VCF-style: chr5-98900988-C-G. GRCh37 (hg19) VCF-style: chr5-98236692-C-G.
Other names: c.682G>C, p.Asp228His (NM_001364113.3, NM_001376194.2); short protein forms D228H.
Identifiers: ClinVar variation 4823257 (VCV004823257.4).

ClinVar aggregate classification (germline): Uncertain significance (1 of 4 stars; one submission).

gnomAD v4.1: 1 of 1,613,952 alleles (0.000062%); highest among the groups gnomAD compares: Non-Finnish European, 0.000085%; no homozygotes.

Submission:

CeGaT Center for Human Genetics Tuebingen
Classification: Uncertain significance. Last evaluated: 2026-02-01. Review status: criteria provided, single submitter. Criteria: CeGaT Center For Human Genetics Tuebingen Variant Classification Criteria Version 2. Collection method: clinical testing. Allele origin: germline. Affected: yes. Observed: 1 variant allele.
Comment: CHD1: PM2:Supporting